The following is an entry in ClinVar:

NM_015278.5(SASH1):c.1537A>C (p.Ser513Arg)

Gene: SASH1 (SAM and SH3 domain containing 1; plus strand). Cytogenetic location: 6q25.1.
Variant type: single nucleotide variant.
Coding change: c.1537A>C on transcript NM_015278.5 (MANE Select); coding-DNA position 1537, A replaced by C.
Protein change: p.Ser513Arg; replaces serine 513 with arginine.
Molecular consequence: missense variant.
Genome position (GRCh38, 1-based): chr6:148,531,634, A>C. VCF-style: chr6-148531634-A-C. GRCh37 (hg19) VCF-style: chr6-148852770-A-C.
Other names: c.1402A>C, p.Ser468Arg (NM_001346505.2); c.1165A>C, p.Ser389Arg (NM_001346506.2); c.820A>C, p.Ser274Arg (NM_001346507.2); c.1309A>C, p.Ser437Arg (NM_001346508.2); c.1186A>C, p.Ser396Arg (NM_001346509.2); short protein forms S513R, S274R, S437R, S468R, S389R, S396R.
Identifiers: ClinVar variation 624630 (VCV000624630.2), dbSNP rs1237876014, ClinGen allele CA365987408.

ClinVar aggregate classification (germline): Uncertain significance. Review status: criteria provided, single submitter (1 of 4 stars). 2 submissions from 2 submitters: Uncertain significance (1). 1 of the submissions does not count toward it. Last evaluated 2019-10-18.

Conditions:
Dyschromatosis universalis hereditaria 1 (DUH1). Identifiers: MedGen C2675711, MONDO:0024524, OMIM 127500.

Submissions (2):

SIB Swiss Institute of Bioinformatics
Classification: Uncertain significance for Dyschromatosis universalis hereditaria 1. Last evaluated: 2019-10-18. Review status: criteria provided, single submitter. Criteria: ACMG Guidelines, 2015. Collection method: curation. Allele origin: unknown.
Comment: This variant is interpreted as a variant of uncertain significance for Dyschromatosis universalis hereditaria 1, autosomal dominant. The following ACMG Tag(s) were applied: PM2, PP3, PM1-Supporting.

OMIM
Classification: Pathogenic for DYSCHROMATOSIS UNIVERSALIS HEREDITARIA 1. Last evaluated: 2019-03-29. Review status: no assertion criteria provided. Collection method: literature only. Allele origin: germline. Not counted in ClinVar's aggregate classification.

Literature cited by the submitters: PubMed 27659786 (cited by SIB Swiss Institute of Bioinformatics and OMIM).